The following is an entry in ClinVar:

NM_170784.3(MKKS):c.-58T>C

Gene: MKKS (MKKS centrosomal shuttling protein; minus strand). Cytogenetic location: 20p12.2.
Variant type: single nucleotide variant.
Coding change: c.-58T>C on transcript NM_170784.3 (MANE Select); 58 bases upstream of the start codon, T replaced by C.
Molecular consequence: 5 prime UTR variant.
Genome position (GRCh38, 1-based): chr20:10,413,572, A>G on the plus strand (T>C on the coding strand, the complement: MKKS is on the minus strand). VCF-style: chr20-10413572-A-G. GRCh37 (hg19) VCF-style: chr20-10394220-A-G.
Other names: c.-58T>C (NM_018848.3).
Identifiers: ClinVar variation 337697 (VCV000337697.8), dbSNP rs114068950, ClinGen allele CA10652930.

ClinVar aggregate classification (germline): Benign/Likely benign. Review status: criteria provided, multiple submitters, no conflicts (2 of 4 stars). 4 submissions from 3 submitters: Benign (2); Likely benign (2). Last evaluated 2021-03-05.

Conditions:
Bardet-Biedl syndrome 6 (BBS6). Identifiers: Orphanet 110, MedGen C1858054, MONDO:0011523, OMIM 605231.
McKusick-Kaufman syndrome (MKKS). Also called: HYDROMETROCOLPOS SYNDROME; HYDROMETROCOLPOS, POSTAXIAL POLYDACTYLY, AND CONGENITAL HEART MALFORMATION. Identifiers: Orphanet 2473, MedGen C0948368, MONDO:0009367, OMIM 236700.

Allele frequency attached by ClinVar (database versions not stated): gnomAD exomes 0.00088; gnomAD 0.00888 and 0.00943; TOPMed 0.00994; 1000 Genomes Project 0.01078; 1000 Genomes Project 30x 0.01124.
gnomAD v4.1: 2,620 of 1,549,776 alleles (0.17%); highest among the groups gnomAD compares: African/African-American, 3.1%; 41 homozygotes.

Submissions (4):

GeneDx
Classification: Likely benign. Last evaluated: 2021-03-05. Review status: criteria provided, single submitter. Criteria: GeneDx Variant Classification Process June 2021. Collection method: clinical testing. Allele origin: germline. Affected: yes.

Illumina Laboratory Services, Illumina
Classification: Benign for McKusick-Kaufman syndrome. Last evaluated: 2018-01-12. Review status: criteria provided, single submitter. Criteria: ICSL Variant Classification Criteria 13 December 2019. Collection method: clinical testing. Allele origin: germline.
Comment: This variant was observed in the ICSL laboratory as part of a predisposition screen in an ostensibly healthy population. It had not been previously curated by ICSL or reported in the Human Gene Mutation Database (HGMD: prior to June 1st, 2018), and was therefore a candidate for classification through an automated scoring system. Utilizing variant allele frequency, disease prevalence and penetrance estimates, and inheritance mode, an automated score was calculated to assess if this variant is too frequent to cause the disease. Based on the score and internal cut-off values, a variant classified as benign is not then subjected to further curation. The score for this variant resulted in a classification of benign for this disease.

Illumina Laboratory Services, Illumina
Classification: Benign for Bardet-Biedl syndrome 6. Last evaluated: 2018-01-12. Review status: criteria provided, single submitter. Criteria: ICSL Variant Classification Criteria 13 December 2019. Collection method: clinical testing. Allele origin: germline.
Comment: the same text as in the submission from Illumina Laboratory Services, Illumina above.

Breakthrough Genomics
Classification: Likely benign. Review status: criteria provided, single submitter. Criteria: ACMG Guidelines, 2015. Collection method: not provided. Allele origin: germline. Inheritance: Autosomal recessive inheritance. Affected: yes.